The following is an entry in ClinVar:

ClinVar aggregate classification (germline): Conflicting classifications of pathogenicity. Review status: criteria provided, conflicting classifications (1 of 4 stars). 2 submissions from 2 submitters: Uncertain significance (1); Likely benign (1). Last evaluated 2025-08-31.

Conditions:
Inborn genetic diseases. Identifiers: MedGen C0950123, MeSH D030342.

gnomAD v4.1: 49 of 1,614,036 alleles (0.003%); highest among the groups gnomAD compares: Admixed American, 0.023%; no homozygotes.

Submissions (2):

Ambry Genetics
Classification: Likely benign for Inborn genetic diseases. Last evaluated: 2025-08-31. Review status: criteria provided, single submitter. Criteria: Ambry Variant Classification Scheme 2023. Collection method: clinical testing. Allele origin: germline.

Labcorp Genetics (formerly Invitae), Labcorp
Classification: Uncertain significance. Last evaluated: 2025-02-25. Review status: criteria provided, single submitter. Criteria: Invitae Variant Classification Sherloc (09022015). Collection method: clinical testing. Allele origin: germline.
Comment: This sequence change replaces proline, which is neutral and non-polar, with serine, which is neutral and polar, at codon 915 of the ASXL2 protein (p.Pro915Ser). This variant is present in population databases (rs201545861, gnomAD 0.03%). This variant has not been reported in the literature in individuals affected with ASXL2-related conditions. Invitae Evidence Modeling of protein sequence and biophysical properties (such as structural, functional, and spatial information, amino acid conservation, physicochemical variation, residue mobility, and thermodynamic stability) indicates that this missense variant is not expected to disrupt ASXL2 protein function with a negative predictive value of 80%. In summary, the available evidence is currently insufficient to determine the role of this variant in disease. Therefore, it has been classified as a Variant of Uncertain Significance.

NM_018263.6(ASXL2):c.2743C>T (p.Pro915Ser)

Gene: ASXL2 (ASXL transcriptional regulator 2; minus strand). Cytogenetic location: 2p23.3.
Variant type: single nucleotide variant.
Coding change: c.2743C>T on transcript NM_018263.6 (MANE Select); coding-DNA position 2743, C replaced by T.
Protein change: p.Pro915Ser; replaces proline 915 with serine.
Molecular consequence: missense variant.
Genome position (GRCh38, 1-based): chr2:25,743,594, G>A on the plus strand (C>T on the coding strand, the complement: ASXL2 is on the minus strand). VCF-style: chr2-25743594-G-A. GRCh37 (hg19) VCF-style: chr2-25966463-G-A.
Other names: c.2569C>T, p.Pro857Ser (NM_001369346.1); c.1963C>T, p.Pro655Ser (NM_001369347.1); short protein forms P655S, P857S, P915S.
Identifiers: ClinVar variation 4159910 (VCV004159910.2).